The following is an entry in ClinVar:

NM_000540.3(RYR1):c.7709C>T (p.Ala2570Val)

Gene: RYR1 (ryanodine receptor 1; plus strand). Cytogenetic location: 19q13.2.
Variant type: single nucleotide variant.
Coding change: c.7709C>T on transcript NM_000540.3 (MANE Select); coding-DNA position 7709, C replaced by T.
Protein change: p.Ala2570Val; replaces alanine 2570 with valine.
Molecular consequence: missense variant.
Genome position (GRCh38, 1-based): chr19:38,502,601, C>T. VCF-style: chr19-38502601-C-T. GRCh37 (hg19) VCF-style: chr19-38993241-C-T.
Other names: c.7709C>T, p.Ala2570Val (NM_001042723.2); short protein forms A2570V.
Identifiers: ClinVar variation 808554 (VCV000808554.47), dbSNP rs544312224, ClinGen allele CA070028.

ClinVar aggregate classification (germline): Uncertain significance. Review status: criteria provided, multiple submitters, no conflicts (2 of 4 stars). 4 submissions from 4 submitters: Uncertain significance (4). Last evaluated 2025-01-23.

Conditions:
Malignant hyperthermia, susceptibility to, 1 (MHS1). Also called: Malignant hyperthermia suceptibility 1; RYR1-Related Malignant Hyperthermia Susceptibility; Anesthesia related hyperthermia; Malignant hyperpyrexia; Fulminating hyperpyrexia; Pharmacogenic myopathy. Identifiers: Orphanet 423, MedGen C2930980, MONDO:0007783, OMIM 145600.
RYR1-related disorder. Also called: RYR1-related condition; RYR1-related disorders. Identifiers: MedGen CN239331.

Allele frequency attached by ClinVar (database versions not stated): gnomAD exomes below 0.00001 and 0.00001; ExAC 0.00001.
gnomAD v4.1: 6 of 1,612,766 alleles (0.00037%); highest among the groups gnomAD compares: Middle Eastern, 0.016%; no homozygotes.

Submissions (4):

Labcorp Genetics (formerly Invitae), Labcorp
Classification: Uncertain significance for RYR1-related disorder. Last evaluated: 2025-01-23. Review status: criteria provided, single submitter. Criteria: Invitae Variant Classification Sherloc (09022015). Collection method: clinical testing. Allele origin: germline.
Comment: This sequence change replaces alanine, which is neutral and non-polar, with valine, which is neutral and non-polar, at codon 2570 of the RYR1 protein (p.Ala2570Val). The frequency data for this variant in the population databases is considered unreliable, as metrics indicate poor data quality at this position in the gnomAD database. This variant has not been reported in the literature in individuals affected with RYR1-related conditions. ClinVar contains an entry for this variant (Variation ID: 808554). Invitae Evidence Modeling of protein sequence and biophysical properties (such as structural, functional, and spatial information, amino acid conservation, physicochemical variation, residue mobility, and thermodynamic stability) indicates that this missense variant is not expected to disrupt RYR1 protein function with a negative predictive value of 80%. In summary, the available evidence is currently insufficient to determine the role of this variant in disease. Therefore, it has been classified as a Variant of Uncertain Significance.

All of Us Research Program, National Institutes of Health
Classification: Uncertain significance for Malignant hyperthermia, susceptibility to, 1. Last evaluated: 2023-10-27. Review status: criteria provided, single submitter. Criteria: ACMG Guidelines, 2015. Collection method: clinical testing. Allele origin: germline. Inheritance: Autosomal dominant inheritance. Observed: 2 variant alleles, 2 heterozygotes.
Comment: This missense variant replaces alanine with valine at codon 2570 of the RYR1 protein. Computational prediction is inconclusive regarding the impact of this variant on protein structure and function (internally defined REVEL score threshold 0.5 < inconclusive < 0.7, PMID: 27666373). To our knowledge, functional studies have not been reported for this variant. This variant has not been reported in individuals affected with RYR1-related disorders in the literature. This variant has been identified in 2/250206 chromosomes in the general population by the Genome Aggregation Database (gnomAD). The available evidence is insufficient to determine the role of this variant in disease conclusively. Therefore, this variant is classified as a Variant of Uncertain Significance.

This study involves interpretation of variants in research participants for the purpose of population health screening. Participant phenotype was not available at the time of variant classification. Additional details can be found in publication PMID: 35346344, PMCID: PMC8962531

Blueprint Genetics
Classification: Uncertain significance. Last evaluated: 2023-06-15. Review status: criteria provided, single submitter. Criteria: ACMG Guidelines, 2015. Collection method: clinical testing. Allele origin: germline.

CeGaT Center for Human Genetics Tuebingen
Classification: Uncertain significance. Last evaluated: 2016-11-01. Review status: criteria provided, single submitter. Criteria: CeGaT Center For Human Genetics Tuebingen Variant Classification Criteria Version 2. Collection method: clinical testing. Allele origin: germline. Affected: yes. Observed: 1 variant allele.